The following is an entry in ClinVar:

NM_001029896.2(WDR45):c.838G>A (p.Val280Met)

Gene: WDR45 (WD repeat domain 45; minus strand). Cytogenetic location: Xp11.23.
Variant type: single nucleotide variant.
Coding change: c.838G>A on transcript NM_001029896.2 (MANE Select); coding-DNA position 838, G replaced by A.
Protein change: p.Val280Met; replaces valine 280 with methionine.
Molecular consequence: missense variant.
Genome position (GRCh38, 1-based): chrX:49,075,271, C>T on the plus strand (G>A on the coding strand, the complement: WDR45 is on the minus strand). VCF-style: chrX-49075271-C-T. GRCh37 (hg19) VCF-style: chrX-48932930-C-T.
Other names: p.Val281Met; c.841G>A, p.Val281Met (NM_007075.4); short protein forms V281M, V280M.
Identifiers: ClinVar variation 282969 (VCV000282969.27), dbSNP rs149509552, ClinGen allele CA10408457.

ClinVar aggregate classification (germline): Benign/Likely benign. Review status: criteria provided, multiple submitters, no conflicts (2 of 4 stars). 10 submissions from 10 submitters: Benign (7); Likely benign (1). 2 of the submissions do not count toward it. Last evaluated 2026-02-03.

Conditions:
Neurodegeneration with brain iron accumulation 5 (NBIA5). Also called: STATIC ENCEPHALOPATHY OF CHILDHOOD WITH NEURODEGENERATION IN ADULTHOOD; Beta-propeller protein-associated neurodegeneration. Identifiers: Orphanet 329284, MedGen C3550973, MONDO:0010476, OMIM 300894.
Inborn genetic diseases. Identifiers: MedGen C0950123, MeSH D030342.
Oculocutaneous albinism type 7. Also called: Albinism, oculocutaneous, type VII. Identifiers: Orphanet 352745, MedGen C3808786, MONDO:0014070, OMIM 615179.

Allele frequency attached by ClinVar (database versions not stated): ESP Exome Variant Server 0.00047; gnomAD exomes 0.00169; ExAC 0.00421; gnomAD 0.00644 and 0.00667; 1000 Genomes Project 0.00980; 1000 Genomes Project 30x 0.01041; TOPMed 0.01082.
gnomAD v4.1: 2,715 of 1,209,412 alleles (0.22%); highest among the groups gnomAD compares: Admixed American, 4.9%; 51 homozygotes.

Submissions (10):

Labcorp Genetics (formerly Invitae), Labcorp
Classification: Benign for Neurodegeneration with brain iron accumulation 5. Last evaluated: 2026-02-03. Review status: criteria provided, single submitter. Criteria: Invitae Variant Classification Sherloc (09022015). Collection method: clinical testing. Allele origin: germline.

Athena Diagnostics
Classification: Benign. Last evaluated: 2024-09-17. Review status: criteria provided, single submitter. Criteria: Athena Diagnostics Criteria. Collection method: clinical testing. Allele origin: unknown.

Mayo Clinic Laboratories, Mayo Clinic
Classification: Benign. Last evaluated: 2023-04-24. Review status: criteria provided, single submitter. Criteria: ACMG Guidelines, 2015. Collection method: clinical testing. Allele origin: germline. Observed: 17 variant alleles.
Comment: BS1, BS2

Fulgent Genetics
Classification: Likely benign for Neurodegeneration with brain iron accumulation 5; Oculocutaneous albinism type 7. Last evaluated: 2021-11-30. Review status: criteria provided, single submitter. Criteria: ACMG Guidelines, 2015. Collection method: clinical testing. Allele origin: unknown.

Ambry Genetics
Classification: Benign for Inborn genetic diseases. Last evaluated: 2016-03-24. Review status: criteria provided, single submitter. Criteria: Ambry Variant Classification Scheme 2023. Collection method: clinical testing. Allele origin: germline.

GeneDx
Classification: Benign. Last evaluated: 2016-02-03. Review status: criteria provided, single submitter. Criteria: GeneDx Variant Classification (06012015). Collection method: clinical testing. Allele origin: germline. Affected: yes.
Comment: This variant is considered likely benign or benign based on one or more of the following criteria: it is a conservative change, it occurs at a poorly conserved position in the protein, it is predicted to be benign by multiple in silico algorithms, and/or has population frequency not consistent with disease.

Eurofins Ntd Llc (ga)
Classification: Benign. Last evaluated: 2015-10-06. Review status: criteria provided, single submitter. Criteria: EGL Classification Definitions 2015. Collection method: clinical testing. Allele origin: germline. Observed: 1 variant allele, 1 heterozygote.

Breakthrough Genomics
Classification: Benign. Review status: criteria provided, single submitter. Criteria: ACMG Guidelines, 2015. Collection method: not provided. Allele origin: germline. Inheritance: X-linked inheritance. Affected: yes.

Clinical Genetics DNA and cytogenetics Diagnostics Lab, Erasmus MC, Erasmus Medical Center
Classification: Likely benign. Review status: no assertion criteria provided. Collection method: clinical testing. Allele origin: germline. Affected: yes. Study: VKGL Data-share Consensus. Not counted in ClinVar's aggregate classification.

Laboratory of Diagnostic Genome Analysis, Leiden University Medical Center (LUMC)
Classification: Likely benign. Review status: no assertion criteria provided. Collection method: clinical testing. Allele origin: germline. Affected: yes. Study: VKGL Data-share Consensus. Not counted in ClinVar's aggregate classification.

Literature cited by the submitters: PubMed 28191889 (cited by Athena Diagnostics); PubMed 25363768 (cited by Mayo Clinic Laboratories, Mayo Clinic); PubMed 31785789 (cited by Mayo Clinic Laboratories, Mayo Clinic).